The following continues an entry in ClinVar:

NM_000059.4(BRCA2):c.1792A>G (p.Thr598Ala)

Gene: BRCA2. ClinVar aggregate classification (germline): Benign. Benign (1).

Submissions 22 to 38 of 38:

Ambry Genetics
Classification: Benign for Hereditary cancer-predisposing syndrome. Last evaluated: 2014-11-19. Review status: criteria provided, single submitter. Criteria: Ambry Variant Classification Scheme 2023. Collection method: clinical testing. Allele origin: germline. Not counted in ClinVar's aggregate classification.

Molecular Genetics Laboratory, University of Michigan
Classification: Benign for Breast-ovarian cancer, familial, susceptibility to, 2. Last evaluated: 2014-11-03. Review status: criteria provided, single submitter. Criteria: ACMG Guidelines, 2015. Collection method: clinical testing. Allele origin: germline. Affected: yes. Not counted in ClinVar's aggregate classification.

Genome Diagnostics Laboratory, University Medical Center Utrecht
Classification: Benign for Breast-ovarian cancer, familial, susceptibility to, 2. Last evaluated: 2014-10-09. Review status: criteria provided, single submitter. Criteria: ACGS Guidelines, 2013. Collection method: clinical testing. Allele origin: germline. Affected: yes. Study: VKGL Data-share Consensus. Not counted in ClinVar's aggregate classification.

GeneDx
Classification: Benign for Familial cancer of breast. Last evaluated: 2014-01-22. Review status: criteria provided, single submitter. Criteria: GeneDx Variant Classification (06012015). Collection method: clinical testing. Allele origin: germline. Affected: yes. Not counted in ClinVar's aggregate classification.
Comment: The variant is found in BRCA1-BRCA2,PANC-HEREDIC,BR-OV-HEREDIC,HIRISK-BR-HEREDIC,ENDOM-HEREDIC panel(s).

BRCAlab, Lund University
Classification: Benign for Breast-ovarian cancer, familial, susceptibility to, 2. Last evaluated: 2020-03-02. Review status: no assertion criteria provided. Collection method: clinical testing. Allele origin: germline. Affected: yes. Not counted in ClinVar's aggregate classification.

True Health Diagnostics
Classification: Likely benign for Hereditary cancer-predisposing syndrome. Last evaluated: 2018-04-27. Review status: no assertion criteria provided. Collection method: clinical testing. Allele origin: germline. Not counted in ClinVar's aggregate classification.

Mayo Clinic Laboratories, Mayo Clinic
Classification: Likely benign. Last evaluated: 2017-12-18. Review status: no assertion criteria provided. Collection method: clinical testing. Allele origin: unknown. Not counted in ClinVar's aggregate classification.

CSER _CC_NCGL, University of Washington
Classification: Likely benign for Breast cancer. Last evaluated: 2014-06-01. Review status: no assertion criteria provided. Collection method: research. Allele origin: germline. Inheritance: Autosomal dominant inheritance. Study: ESP 6500 variant annotation. Not counted in ClinVar's aggregate classification.
Comment: Variants classified for the Actionable exomic incidental findings in 6503 participants: challenges of variant classification manuscript

Counsyl
Classification: Likely benign for Breast-ovarian cancer, familial 2. Last evaluated: 2014-02-19. Review status: no assertion criteria provided. Collection method: literature only. Allele origin: unknown. Inheritance: Autosomal dominant inheritance. Not counted in ClinVar's aggregate classification.

ITMI
No classification provided. Condition: AllHighlyPenetrant. Last evaluated: 2013-09-19. Review status: no classification provided. Collection method: reference population. Allele origin: germline. Not counted in ClinVar's aggregate classification.
Comment: Please see associated publication for description of ethnicities

Biesecker Lab/Clinical Genomics Section, National Institutes of Health
Classification: Uncertain significance. Last evaluated: 2012-07-13. Review status: no assertion criteria provided. Collection method: research. Allele origin: germline. Affected: no. Observed: 2 variant alleles. Study: ClinSeq. Not counted in ClinVar's aggregate classification.
ClinVar note: Converted during submission from variant of unknown significance to Uncertain significance.

Breast Cancer Information Core (BIC) (BRCA2)
No classification provided. Condition: Breast-ovarian cancer, familial 2. Review status: no classification provided. Collection method: clinical testing. Allele origin: germline. Affected: yes. Observed: 63 variant alleles. Not counted in ClinVar's aggregate classification.

Clinical Genetics Laboratory, Department of Pathology, Netherlands Cancer Institute
Classification: Benign. Review status: no assertion criteria provided. Collection method: clinical testing. Allele origin: germline. Affected: yes. Study: VKGL Data-share Consensus. Not counted in ClinVar's aggregate classification.

Department of Pathology and Laboratory Medicine, Sinai Health System
Classification: Benign for Breast-ovarian cancer, familial, susceptibility to, 2. Review status: no assertion criteria provided. Collection method: clinical testing. Allele origin: unknown. Affected: yes. Study: The Canadian Open Genetics Repository (COGR). Not counted in ClinVar's aggregate classification.

Diagnostic Laboratory, Department of Genetics, University Medical Center Groningen
Classification: Benign for Breast-ovarian cancer, familial, susceptibility to, 2. Review status: no assertion criteria provided. Collection method: clinical testing. Allele origin: germline. Affected: yes. Study: VKGL Data-share Consensus. Not counted in ClinVar's aggregate classification.

Joint Genome Diagnostic Labs from Nijmegen and Maastricht, Radboudumc and MUMC+
Classification: Benign. Review status: no assertion criteria provided. Collection method: clinical testing. Allele origin: germline. Affected: yes. Study: VKGL Data-share Consensus. Not counted in ClinVar's aggregate classification.

Laboratory of Diagnostic Genome Analysis, Leiden University Medical Center (LUMC)
Classification: Benign. Review status: no assertion criteria provided. Collection method: clinical testing. Allele origin: germline. Affected: yes. Study: VKGL Data-share Consensus. Not counted in ClinVar's aggregate classification.

Literature cited by the submitters: PubMed 31131967 (cited by Evidence-based Network for the Interpretation of Germline Mutant Alleles (ENIGMA) and Quest Diagnostics Nichols Institute San Juan Capistrano); PubMed 36329109 (cited by Genetics Program, Instituto Nacional de Cancer); PubMed 12215251 (cited by Quest Diagnostics Nichols Institute San Juan Capistrano and Counsyl); PubMed 24728327 (cited by Quest Diagnostics Nichols Institute San Juan Capistrano and ITMI); PubMed 12845657 (cited by Counsyl); PubMed 21520273 (cited by Counsyl); PubMed 21702907 (cited by Counsyl); PubMed 24055113 (cited by Counsyl); PubMed 21232165 (cited by Counsyl); PubMed 18284688 (cited by Counsyl); PubMed 16683254 (cited by Counsyl); PubMed 21952622 (cited by Counsyl).